The following is an entry in ClinVar:

NM_182760.4(SUMF1):c.503C>A (p.Thr168Asn)

Gene: SUMF1 (sulfatase modifying factor 1; minus strand). Cytogenetic location: 3p26.1.
Variant type: single nucleotide variant.
Coding change: c.503C>A on transcript NM_182760.4 (MANE Select); coding-DNA position 503, C replaced by A.
Protein change: p.Thr168Asn; replaces threonine 168 with asparagine.
Molecular consequence: missense variant. On other transcripts: intron variant (1).
Genome position (GRCh38, 1-based): chr3:4,449,282, G>T on the plus strand (C>A on the coding strand, the complement: SUMF1 is on the minus strand). VCF-style: chr3-4449282-G-T. GRCh37 (hg19) VCF-style: chr3-4490966-G-T.
Other names: c.503C>A, p.Thr168Asn (NM_001164675.2); c.444+3594C>A (NM_001164674.2); c.503C>A (NM_182760.3); short protein forms T168N.
Identifiers: ClinVar variation 2162290 (VCV002162290.2), dbSNP rs1559307292, ClinGen allele CA351792922.

ClinVar aggregate classification (germline): Uncertain significance. Review status: criteria provided, multiple submitters, no conflicts (2 of 4 stars). 2 submissions from 2 submitters: Uncertain significance (2). Last evaluated 2021-10-12.

Conditions:
Multiple sulfatase deficiency (MSD). Also called: Multiple Sulfatase Deficiency Disease; Sulfatidosis, Juvenile, Austin Type; Mucosulfatidosis. Identifiers: Orphanet 585, MedGen C0268263, MONDO:0010088, OMIM 272200.
Inborn genetic diseases. Identifiers: MedGen C0950123, MeSH D030342.

Allele frequency attached by ClinVar (database versions not stated): gnomAD exomes below 0.00001.
gnomAD v4.1: 3 of 1,614,120 alleles (0.00019%); highest among the groups gnomAD compares: East Asian, 0.0022%; no homozygotes.

Submissions (2):

Ambry Genetics
Classification: Uncertain significance for Inborn genetic diseases. Last evaluated: 2021-10-12. Review status: criteria provided, single submitter. Criteria: Ambry Variant Classification Scheme 2023. Collection method: clinical testing. Allele origin: germline.

Labcorp Genetics (formerly Invitae), Labcorp
Classification: Uncertain significance for Multiple sulfatase deficiency. Last evaluated: 2021-09-01. Review status: criteria provided, single submitter. Criteria: Invitae Variant Classification Sherloc (09022015). Collection method: clinical testing. Allele origin: germline.
Comment: This sequence change replaces threonine with asparagine at codon 168 of the SUMF1 protein (p.Thr168Asn). The threonine residue is weakly conserved and there is a small physicochemical difference between threonine and asparagine. This variant is not present in population databases (ExAC no frequency). This variant has not been reported in the literature in individuals affected with SUMF1-related conditions. Algorithms developed to predict the effect of missense changes on protein structure and function (SIFT, PolyPhen-2, Align-GVGD) all suggest that this variant is likely to be tolerated. In summary, the available evidence is currently insufficient to determine the role of this variant in disease. Therefore, it has been classified as a Variant of Uncertain Significance.